The following is an entry in ClinVar:

NM_000057.4(BLM):c.3251_3255del (p.Ile1084fs)

Gene: BLM (BLM RecQ like helicase; plus strand). Cytogenetic location: 15q26.1.
Variant type: Deletion.
Coding change: c.3251_3255del on transcript NM_000057.4 (MANE Select); coding-DNA positions 3251 to 3255, 5 bases deleted (TTGTA; older notation c.3251_3255delTTGTA).
Protein change: p.Ile1084fs; shifts the reading frame from isoleucine 1084.
Molecular consequence: frameshift variant.
Genome position (GRCh38, 1-based): chr15:90,798,230-90,798,234, TTGTA deleted; deleting any 5 consecutive bases within chr15:90,798,227-90,798,234 gives the same sequence; the c. name uses the placement nearest the transcript's 3' end. VCF-style (leftmost placement, unchanged base first): chr15-90798226-AGTATT-A. GRCh37 (hg19) VCF-style: chr15-91341456-AGTATT-A.
Other names: c.3251_3255del, p.Ile1084fs (NM_001287246.2, NM_001287247.2); c.2126_2130del, p.Ile709fs (NM_001287248.2); short protein forms I709fs, I1084fs.
Identifiers: ClinVar variation 3639005 (VCV003639005.2).

ClinVar aggregate classification (germline): Pathogenic (1 of 4 stars; one submission).

Conditions:
Bloom syndrome (BLM). Also called: Bloom-Torre-Machacek syndrome. Identifiers: Orphanet 125, MedGen C0005859, MONDO:0008876, OMIM 210900.

Submission:

Labcorp Genetics (formerly Invitae), Labcorp
Classification: Pathogenic for Bloom syndrome. Last evaluated: 2024-04-23. Review status: criteria provided, single submitter. Criteria: Invitae Variant Classification Sherloc (09022015). Collection method: clinical testing. Allele origin: germline.
Comment: This sequence change creates a premature translational stop signal (p.Ile1084Lysfs*7) in the BLM gene. It is expected to result in an absent or disrupted protein product. Loss-of-function variants in BLM are known to be pathogenic (PMID: 17407155). This variant is not present in population databases (gnomAD no frequency). This variant has not been reported in the literature in individuals affected with BLM-related conditions. For these reasons, this variant has been classified as Pathogenic.

Literature cited by the submitters: PubMed 17407155.